The following is an entry in ClinVar:

ClinVar aggregate classification (germline): Uncertain significance (1 of 4 stars; one submission).

Allele frequency attached by ClinVar (database versions not stated): TOPMed below 0.00001; gnomAD exomes 0.00001.
gnomAD v4.1: 17 of 1,611,988 alleles (0.0011%); highest among the groups gnomAD compares: East Asian, 0.0022%; no homozygotes.

Submission:

Labcorp Genetics (formerly Invitae), Labcorp
Classification: Uncertain significance. Last evaluated: 2021-08-18. Review status: criteria provided, single submitter. Criteria: Invitae Variant Classification Sherloc (09022015). Collection method: clinical testing. Allele origin: germline.
Comment: This sequence change replaces arginine with histidine at codon 1626 of the PCLO protein (p.Arg1626His). The arginine residue is moderately conserved and there is a small physicochemical difference between arginine and histidine. This variant is not present in population databases (ExAC no frequency). This variant has not been reported in the literature in individuals affected with PCLO-related conditions. Algorithms developed to predict the effect of missense changes on protein structure and function are either unavailable or do not agree on the potential impact of this missense change (SIFT: "Deleterious"; PolyPhen-2: "Not Available"; Align-GVGD: "Class C0"). In summary, the available evidence is currently insufficient to determine the role of this variant in disease. Therefore, it has been classified as a Variant of Uncertain Significance.

NM_033026.6(PCLO):c.4877G>A (p.Arg1626His)

Gene: PCLO (piccolo presynaptic cytomatrix protein; minus strand). Cytogenetic location: 7q21.11.
Variant type: single nucleotide variant.
Coding change: c.4877G>A on transcript NM_033026.6 (MANE Select); coding-DNA position 4877, G replaced by A.
Protein change: p.Arg1626His; replaces arginine 1626 with histidine.
Molecular consequence: missense variant.
Genome position (GRCh38, 1-based): chr7:82,956,076, C>T on the plus strand (G>A on the coding strand, the complement: PCLO is on the minus strand). VCF-style: chr7-82956076-C-T. GRCh37 (hg19) VCF-style: chr7-82585392-C-T.
Other names: c.4877G>A, p.Arg1626His (NM_014510.3); short protein forms R1626H.
Identifiers: ClinVar variation 1389224 (VCV001389224.3), dbSNP rs1281951299, ClinGen allele CA367925777.